The following is an entry in ClinVar:

NM_003001.5(SDHC):c.7G>A (p.Ala3Thr)

Gene: SDHC (succinate dehydrogenase complex subunit C; plus strand). Cytogenetic location: 1q23.3.
Variant type: single nucleotide variant.
Coding change: c.7G>A on transcript NM_003001.5 (MANE Select); coding-DNA position 7, G replaced by A.
Protein change: p.Ala3Thr; replaces alanine 3 with threonine.
Molecular consequence: missense variant.
Genome position (GRCh38, 1-based): chr1:161,314,412, G>A. VCF-style: chr1-161314412-G-A. GRCh37 (hg19) VCF-style: chr1-161284202-G-A.
Other names: p.Ala3Thr; c.7G>A, p.Ala3Thr (NM_001035511.3, NM_001035512.3, NM_001035513.3 and 6 more transcripts); c.-554G>A (NM_001407119.1); c.-223G>A (NM_001407120.1); short protein forms A3T.
Identifiers: ClinVar variation 407063 (VCV000407063.32), dbSNP rs748243732, ClinGen allele CA048607.

ClinVar aggregate classification (germline): Uncertain significance. Review status: criteria provided, multiple submitters, no conflicts (2 of 4 stars). 8 submissions from 8 submitters: Uncertain significance (7). 1 of the submissions does not count toward it. Last evaluated 2025-09-08.

Conditions:
SDHC-related disorder. Also called: SDHC-related condition.
Hereditary cancer-predisposing syndrome. Also called: Neoplastic Syndromes, Hereditary; Hereditary Cancer Syndrome; Hereditary neoplastic syndrome; Tumor predisposition. Identifiers: Orphanet 140162, MedGen C0027672, MeSH D009386, MONDO:0015356.
Pheochromocytoma/paraganglioma syndrome 3. Also called: GLOMUS TUMORS, FAMILIAL, 3; SDHC-Related Hereditary Paraganglioma-Pheochromocytoma Syndrome (Paragangliomas 3); Paragangliomas 3; SDHC-Related Hereditary Paraganglioma-Pheochromocytoma Syndrome. Identifiers: Orphanet 29072, MedGen C1854336, MONDO:0011544, OMIM 605373.
Gastrointestinal stromal tumor. Also called: Gastrointestinal stromal tumor, somatic; Gastrointestinal stroma tumor. Identifiers: Orphanet 44890, MedGen C0238198, MeSH D046152, MONDO:0011719, OMIM 606764, HP:0100723.
Hereditary pheochromocytoma and paraganglioma. Also called: Hereditary Paraganglioma-Pheochromocytoma Syndromes; Hereditary pheochromocytoma-paraganglioma; Hereditary paragangliomas and pheochromocytomas. Identifiers: Orphanet 29072, MedGen C4274332, MONDO:0017366.

Allele frequency attached by ClinVar (database versions not stated): gnomAD 0.00001.
gnomAD v4.1: 14 of 1,613,290 alleles (0.00087%); highest among the groups gnomAD compares: African/African-American, 0.0027%; no homozygotes.

Submissions (8):

Quest Diagnostics Nichols Institute San Juan Capistrano
Classification: Uncertain significance. Last evaluated: 2025-09-08. Review status: criteria provided, single submitter. Criteria: Quest Diagnostics criteria. Collection method: clinical testing. Allele origin: unknown.
Comment: The SDHC c.7G>A (p.Ala3Thr) variant has been reported in the published literature in an individual with carotid body tumor (PMID: 29504908 (2018)). The frequency of this variant in the general population (Genome Aggregation Database) is uninformative in the assessment of its pathogenicity. Analysis of this variant using bioinformatics tools for the prediction of the effect of amino acid changes on protein structure and function yielded predictions that this variant is benign. Based on the available information, we are unable to determine the clinical significance of this variant.

Labcorp Genetics (formerly Invitae), Labcorp
Classification: Uncertain significance for Pheochromocytoma/paraganglioma syndrome 3; Gastrointestinal stromal tumor. Last evaluated: 2025-08-01. Review status: criteria provided, single submitter. Criteria: Invitae Variant Classification Sherloc (09022015). Collection method: clinical testing. Allele origin: germline.
Comment: This sequence change replaces alanine, which is neutral and non-polar, with threonine, which is neutral and polar, at codon 3 of the SDHC protein (p.Ala3Thr). The frequency data for this variant in the population databases is considered unreliable, as metrics indicate poor data quality at this position in the gnomAD database. This variant has not been reported in the literature in individuals affected with SDHC-related conditions. ClinVar contains an entry for this variant (Variation ID: 407063). An algorithm developed to predict the effect of missense changes on protein structure and function (PolyPhen-2) suggests that this variant is likely to be disruptive. In summary, the available evidence is currently insufficient to determine the role of this variant in disease. Therefore, it has been classified as a Variant of Uncertain Significance.

Mayo Clinic Laboratories, Mayo Clinic
Classification: Uncertain significance. Last evaluated: 2025-02-07. Review status: criteria provided, single submitter. Criteria: ACMG Guidelines, 2015. Collection method: clinical testing. Allele origin: germline. Observed: 1 variant allele.

Ambry Genetics
Classification: Uncertain significance for Hereditary cancer-predisposing syndrome. Last evaluated: 2024-10-12. Review status: criteria provided, single submitter. Criteria: Ambry Variant Classification Scheme 2023. Collection method: clinical testing. Allele origin: germline.
Comment: The p.A3T variant (also known as c.7G>A), located in coding exon 1 of the SDHC gene, results from a G to A substitution at nucleotide position 7. The alanine at codon 3 is replaced by threonine, an amino acid with similar properties. This amino acid position is conserved. In addition, this alteration is predicted to be deleterious by in silico analysis. Since supporting evidence is limited at this time, the clinical significance of this alteration remains unclear.

All of Us Research Program, National Institutes of Health
Classification: Uncertain significance for Hereditary pheochromocytoma and paraganglioma. Last evaluated: 2024-04-16. Review status: criteria provided, single submitter. Criteria: ACMG Guidelines, 2015. Collection method: clinical testing. Allele origin: germline. Inheritance: Autosomal dominant inheritance. Observed: 3 variant alleles, 3 heterozygotes.
Comment: This missense variant replaces alanine with threonine at codon 3 of the SDHC protein. Computational prediction suggests that this variant may not impact protein structure and function (internally defined REVEL score threshold <= 0.5, PMID: 27666373). To our knowledge, functional studies have not been reported for this variant. This variant has been reported in an individual affected with hereditary paranganglioma-pheochromocytoma syndrome (PMID: 29504908). This variant has been identified in 5/282430 chromosomes in the general population by the Genome Aggregation Database (gnomAD). The available evidence is insufficient to determine the role of this variant in disease conclusively. Therefore, this variant is classified as a Variant of Uncertain Significance.

This study involves interpretation of variants in research participants for the purpose of population health screening. Participant phenotype was not available at the time of variant classification. Additional details can be found in publication PMID: 35346344, PMCID: PMC8962531

GeneDx
Classification: Uncertain significance. Last evaluated: 2023-11-01. Review status: criteria provided, single submitter. Criteria: GeneDx Variant Classification Process June 2021. Collection method: clinical testing. Allele origin: germline.
Comment: Not observed at significant frequency in large population cohorts (gnomAD); In silico analysis supports that this missense variant does not alter protein structure/function; Has not been previously published as pathogenic or benign to our knowledge

Baylor Genetics
Classification: Uncertain significance for Gastrointestinal stromal tumor. Last evaluated: 2023-06-21. Review status: criteria provided, single submitter. Criteria: ACMG Guidelines, 2015. Collection method: clinical testing. Allele origin: unknown.

PreventionGenetics, part of Exact Sciences
Classification: Uncertain significance for SDHC-related condition. Last evaluated: 2024-06-13. Review status: no assertion criteria provided. Collection method: clinical testing. Allele origin: germline. Not counted in ClinVar's aggregate classification.
Comment: The SDHC c.7G>A variant is predicted to result in the amino acid substitution p.Ala3Thr. To our knowledge, this variant has not been reported in the literature in SDHC associated germline diseases. This variant is reported in 0.0040% of alleles in individuals of African descent in gnomAD. This variant is interpreted as a variant of uncertain significance in ClinVar. At this time, the clinical significance of this variant is uncertain due to the absence of conclusive functional and genetic evidence.

Literature cited by the submitters: PubMed 29504908 (cited by Quest Diagnostics Nichols Institute San Juan Capistrano and All of Us Research Program, National Institutes of Health).